The following is an entry in ClinVar:

NM_203447.4(DOCK8):c.1164A>C (p.Glu388Asp)

Gene: DOCK8 (dedicator of cytokinesis 8; plus strand). Cytogenetic location: 9p24.3.
Variant type: single nucleotide variant.
Coding change: c.1164A>C on transcript NM_203447.4 (MANE Select); coding-DNA position 1164, A replaced by C.
Protein change: p.Glu388Asp; replaces glutamic acid 388 with aspartic acid.
Molecular consequence: missense variant.
Genome position (GRCh38, 1-based): chr9:334,263, A>C. VCF-style: chr9-334263-A-C. GRCh37 (hg19) VCF-style: chr9-334263-A-C.
Other names: c.960A>C, p.Glu320Asp (NM_001190458.2, NM_001193536.2); short protein forms E320D, E388D.
Identifiers: ClinVar variation 1057716 (VCV001057716.9), dbSNP rs2130878049, ClinGen allele CA372752568.

ClinVar aggregate classification (germline): Uncertain significance (1 of 4 stars; one submission).

Conditions:
Combined immunodeficiency due to DOCK8 deficiency (HIES2). Also called: HIES autosomal recessive; DOCK8 Deficiency; HYPER-IgE SYNDROME 2, AUTOSOMAL RECESSIVE, WITH RECURRENT INFECTIONS; Hyper-IgE recurrent infection syndrome, autosomal recessive; HYPER-IgE RECURRENT INFECTION SYNDROME 2, AUTOSOMAL RECESSIVE. Identifiers: Orphanet 217390, MedGen C4722305, MONDO:0009478, OMIM 243700.

Submission:

Labcorp Genetics (formerly Invitae), Labcorp
Classification: Uncertain significance for Combined immunodeficiency due to DOCK8 deficiency. Last evaluated: 2022-03-19. Review status: criteria provided, single submitter. Criteria: Invitae Variant Classification Sherloc (09022015). Collection method: clinical testing. Allele origin: germline.
Comment: This variant has not been reported in the literature in individuals affected with DOCK8-related conditions. ClinVar contains an entry for this variant (Variation ID: 1057716). Algorithms developed to predict the effect of missense changes on protein structure and function (SIFT, PolyPhen-2, Align-GVGD) all suggest that this variant is likely to be tolerated. In summary, the available evidence is currently insufficient to determine the role of this variant in disease. Therefore, it has been classified as a Variant of Uncertain Significance. This variant is not present in population databases (gnomAD no frequency). This sequence change replaces glutamic acid, which is acidic and polar, with aspartic acid, which is acidic and polar, at codon 388 of the DOCK8 protein (p.Glu388Asp).